The following is an entry in ClinVar:

ClinVar aggregate classification (germline): Uncertain significance (1 of 4 stars; one submission).

Conditions:
Neurofibromatosis, type 1 (NF1). Also called: Peripheral type neurofibromatosis; VON RECKLINGHAUSEN DISEASE; Neurofibromatosis, type I; NEUROFIBROMATOSIS, TYPE I, SOMATIC. Identifiers: Orphanet 636, MedGen C0027831, MONDO:0018975, OMIM 162200. Disease mechanism: loss of function.

Submission:

Labcorp Genetics (formerly Invitae), Labcorp
Classification: Uncertain significance for Neurofibromatosis, type 1. Last evaluated: 2022-02-09. Review status: criteria provided, single submitter. Criteria: Invitae Variant Classification Sherloc (09022015). Collection method: clinical testing. Allele origin: germline.
Comment: In summary, the available evidence is currently insufficient to determine the role of this variant in disease. Therefore, it has been classified as a Variant of Uncertain Significance. Algorithms developed to predict the effect of sequence changes on RNA splicing suggest that this variant is not likely to affect RNA splicing. ClinVar contains an entry for this variant (Variation ID: 843065). This variant has not been reported in the literature in individuals affected with NF1-related conditions. This variant is not present in population databases (gnomAD no frequency). This sequence change affects codon 2465 of the NF1 mRNA. It is a 'silent' change, meaning that it does not change the encoded amino acid sequence of the NF1 protein. It affects a nucleotide within the consensus splice site.

NM_001042492.3(NF1):c.7458G>A (p.Arg2486=)

Gene: NF1 (neurofibromin 1; plus strand). Cytogenetic location: 17q11.2.
Variant type: single nucleotide variant.
Coding change: c.7458G>A on transcript NM_001042492.3 (MANE Select); coding-DNA position 7458, G replaced by A.
Protein change: p.Arg2486=; no amino-acid change (arginine 2486 retained).
Molecular consequence: synonymous variant.
Genome position (GRCh38, 1-based): chr17:31,352,257, G>A. VCF-style: chr17-31352257-G-A. GRCh37 (hg19) VCF-style: chr17-29679275-G-A.
Other names: c.7395G>A, p.Arg2465= (NM_000267.4).
Identifiers: ClinVar variation 843065 (VCV000843065.6), dbSNP rs2070166426, ClinGen allele CA499239224.